The following is an entry in ClinVar:

ClinVar aggregate classification (germline): Likely pathogenic (1 of 4 stars; one submission).

Submission:

GeneDx
Classification: Likely pathogenic. Last evaluated: 2023-08-09. Review status: criteria provided, single submitter. Criteria: GeneDx Variant Classification Process June 2021. Collection method: clinical testing. Allele origin: germline. Affected: yes.
Comment: Not observed at significant frequency in large population cohorts (gnomAD); In silico analysis supports that this missense variant has a deleterious effect on protein structure/function; Has not been previously published as pathogenic or benign to our knowledge

NM_001365902.3(NFIX):c.355T>C (p.Cys119Arg)

Gene: NFIX (nuclear factor I X; plus strand). Cytogenetic location: 19p13.13.
Variant type: single nucleotide variant.
Coding change: c.355T>C on transcript NM_001365902.3 (MANE Select); coding-DNA position 355, T replaced by C.
Protein change: p.Cys119Arg; replaces cysteine 119 with arginine.
Molecular consequence: missense variant.
Genome position (GRCh38, 1-based): chr19:13,025,348, T>C. VCF-style: chr19-13025348-T-C. GRCh37 (hg19) VCF-style: chr19-13136162-T-C.
Other names: c.379T>C, p.Cys127Arg (NM_001271043.2); c.331T>C, p.Cys111Arg (NM_001271044.3, NM_001378404.1); c.355T>C, p.Cys119Arg (NM_001365982.2, NM_002501.4); c.214T>C, p.Cys72Arg (NM_001365983.2); c.352T>C, p.Cys118Arg (NM_001365984.2, NM_001365985.2); c.403T>C, p.Cys135Arg (NM_001378405.1); short protein forms C111R, C118R, C119R, C127R, C135R, C72R.
Identifiers: ClinVar variation 2575717 (VCV002575717.1), dbSNP rs2512745827, ClinGen allele CA404314566.